The following is an entry in ClinVar:

NM_001267550.2(TTN):c.55964A>G (p.Tyr18655Cys)

Genes: TTN (titin; minus strand), TTN-AS1 (TTN antisense RNA 1; plus strand). Cytogenetic location: 2q31.2.
Variant type: single nucleotide variant.
Coding change: c.55964A>G on transcript NM_001267550.2 (MANE Select); coding-DNA position 55964, A replaced by G.
Protein change: p.Tyr18655Cys; replaces tyrosine 18655 with cysteine.
Molecular consequence: missense variant.
Genome position (GRCh38, 1-based): chr2:178,600,940, T>C on the plus strand (A>G on the coding strand, the complement: TTN is on the minus strand). VCF-style: chr2-178600940-T-C. GRCh37 (hg19) VCF-style: chr2-179465667-T-C.
Other names: c.51041A>G, p.Tyr17014Cys (NM_001256850.1); c.28769A>G, p.Tyr9590Cys (NM_003319.4); c.48260A>G, p.Tyr16087Cys (NM_133378.4); c.29144A>G, p.Tyr9715Cys (NM_133432.3); c.29345A>G, p.Tyr9782Cys (NM_133437.4); short protein forms Y17014C, Y9590C, Y9782C, Y18655C, Y9715C, Y16087C.
Identifiers: ClinVar variation 1797095 (VCV001797095.2), dbSNP rs1391393842, ClinGen allele CA349536176.
Genomic context (GRCh38, chr2:178,600,940, plus strand): 5'-CCAACAGTGGCTGAAGGCTTGCTGACTCCTGCAGCATTGACAGCTTTGACTCGGAATTCA[T>C]ATTCCCCACCCTCTACTAGGTCTTCAACAGTAAATTGCAGTTCTTCCACATCACGCTTAT-3'
Protein context (NP_001254479.2, residues 18645-18665): TVEDLVEGGE[Tyr18655Cys]EFRVKAVNAA

ClinVar aggregate classification (germline): Uncertain significance (1 of 4 stars; one submission).

Conditions:
Cardiovascular phenotype. Identifiers: MedGen CN230736.

Allele frequency attached by ClinVar (database versions not stated): gnomAD exomes below 0.00001.
gnomAD v4.1: 1 of 1,613,030 alleles (0.000062%); highest among the groups gnomAD compares: African/African-American, 0.0013%; no homozygotes.

Submission:

Ambry Genetics
Classification: Uncertain significance for Cardiovascular phenotype. Last evaluated: 2020-09-10. Review status: criteria provided, single submitter. Criteria: Ambry Variant Classification Scheme 2023. Collection method: clinical testing. Allele origin: germline.
Comment: The p.Y9590C variant (also known as c.28769A>G), located in coding exon 115 of the TTN gene, results from an A to G substitution at nucleotide position 28769. The tyrosine at codon 9590 is replaced by cysteine, an amino acid with highly dissimilar properties. This amino acid position is highly conserved in available vertebrate species. In addition, the in silico prediction for this alteration is inconclusive. Since supporting evidence is limited at this time, the clinical significance of this alteration remains unclear.